The following is an entry in ClinVar:

ClinVar aggregate classification (germline): Uncertain significance. Review status: criteria provided, multiple submitters, no conflicts (2 of 4 stars). 2 submissions from 2 submitters: Uncertain significance (2). Last evaluated 2025-01-22.

Conditions:
Inborn genetic diseases. Identifiers: MedGen C0950123, MeSH D030342.
Deficiency of 3-hydroxyacyl-CoA dehydrogenase. Also called: 3-hydroxyacyl-CoA dehydrogenase deficiency; HADH DEFICIENCY. Identifiers: Orphanet 309127, Orphanet 71212, MedGen C1291230, MONDO:0017715, OMIM 231530.

Allele frequency attached by ClinVar (database versions not stated): TOPMed 0.00002.
gnomAD v4.1: 7 of 1,593,168 alleles (0.00044%); highest among the groups gnomAD compares: Admixed American, 0.005%; no homozygotes.

Submissions (2):

Ambry Genetics
Classification: Uncertain significance for Inborn genetic diseases. Last evaluated: 2025-01-22. Review status: criteria provided, single submitter. Criteria: Ambry Variant Classification Scheme 2023. Collection method: clinical testing. Allele origin: germline.

Labcorp Genetics (formerly Invitae), Labcorp
Classification: Uncertain significance for Deficiency of 3-hydroxyacyl-CoA dehydrogenase. Last evaluated: 2022-06-04. Review status: criteria provided, single submitter. Criteria: Invitae Variant Classification Sherloc (09022015). Collection method: clinical testing. Allele origin: germline.
Comment: This sequence change replaces glutamic acid, which is acidic and polar, with aspartic acid, which is acidic and polar, at codon 235 of the HADH protein (p.Glu235Asp). This variant is present in population databases (no rsID available, gnomAD 0.003%). This variant has not been reported in the literature in individuals affected with HADH-related conditions. Algorithms developed to predict the effect of missense changes on protein structure and function are either unavailable or do not agree on the potential impact of this missense change (SIFT: "Deleterious"; PolyPhen-2: "Benign"; Align-GVGD: "Class C35"). In summary, the available evidence is currently insufficient to determine the role of this variant in disease. Therefore, it has been classified as a Variant of Uncertain Significance.

NM_005327.7(HADH):c.705A>C (p.Glu235Asp)

Gene: HADH (hydroxyacyl-CoA dehydrogenase; plus strand). Cytogenetic location: 4q25.
Variant type: single nucleotide variant.
Coding change: c.705A>C on transcript NM_005327.7 (MANE Select); coding-DNA position 705, A replaced by C.
Protein change: p.Glu235Asp; replaces glutamic acid 235 with aspartic acid.
Molecular consequence: missense variant.
Genome position (GRCh38, 1-based): chr4:108,027,756, A>C. VCF-style: chr4-108027756-A-C. GRCh37 (hg19) VCF-style: chr4-108948912-A-C.
Other names: c.705A>C, p.Glu235Asp (NM_001184705.4); c.717A>C, p.Glu239Asp (NM_001331027.2); c.705A>C (NM_005327.4); short protein forms E235D, E239D.
Identifiers: ClinVar variation 2421404 (VCV002421404.4), dbSNP rs911399847, ClinGen allele CA102880106.